The following is an entry in ClinVar:

ClinVar aggregate classification (germline): Uncertain significance. Review status: criteria provided, single submitter (1 of 4 stars). 2 submissions from 2 submitters: Uncertain significance (1). 1 of the submissions does not count toward it. Last evaluated 2024-05-10.

Conditions:
UMOD-related disorder. Also called: UMOD-related condition.
Familial juvenile hyperuricemic nephropathy type 1 (ADTKD1). Also called: UMOD-Associated Kidney Disease; Uromodulin-associated kidney disease; Glomerulocystic kidney disease with hyperuricemia and isosthenuria; Medullary cystic kidney disease 2; Autosomal Dominant Tubulointerstitial Kidney Disease – UMOD. Identifiers: Orphanet 209886, Orphanet 34149, Orphanet 88950, MedGen C4551496, MONDO:0008073, OMIM 162000.

gnomAD v4.1: 34 of 1,613,892 alleles (0.0021%); highest among the groups gnomAD compares: Non-Finnish European, 0.0025%; no homozygotes.

Submissions (2):

Fulgent Genetics
Classification: Uncertain significance for Familial juvenile hyperuricemic nephropathy type 1. Last evaluated: 2024-05-10. Review status: criteria provided, single submitter. Criteria: ACMG Guidelines, 2015. Collection method: clinical testing. Allele origin: germline.

PreventionGenetics, part of Exact Sciences
Classification: Uncertain significance for UMOD-related condition. Last evaluated: 2024-08-13. Review status: no assertion criteria provided. Collection method: clinical testing. Allele origin: germline. Not counted in ClinVar's aggregate classification.
Comment: The UMOD c.1469T>C variant is predicted to result in the amino acid substitution p.Met490Thr. To our knowledge, this variant has not been reported in the literature. This variant is reported in 0.0018% of alleles in individuals of European (Non-Finnish) descent in gnomAD. At this time, the clinical significance of this variant is uncertain due to the absence of conclusive functional and genetic evidence.

NM_003361.4(UMOD):c.1469T>C (p.Met490Thr)

Gene: UMOD (uromodulin; minus strand). Cytogenetic location: 16p12.3.
Variant type: single nucleotide variant.
Coding change: c.1469T>C on transcript NM_003361.4 (MANE Select); coding-DNA position 1469, T replaced by C.
Protein change: p.Met490Thr; replaces methionine 490 with threonine.
Molecular consequence: missense variant. On other transcripts: non-coding transcript variant (1).
Genome position (GRCh38, 1-based): chr16:20,341,199, A>G on the plus strand (T>C on the coding strand, the complement: UMOD is on the minus strand). VCF-style: chr16-20341199-A-G. GRCh37 (hg19) VCF-style: chr16-20352521-A-G.
Other names: c.1469T>C, p.Met490Thr (NM_001008389.3, NM_001378232.1, NM_001378233.1); c.1568T>C, p.Met523Thr (NM_001278614.2); c.1610T>C, p.Met537Thr (NM_001378234.1, NM_001378235.1); short protein forms M490T, M523T, M537T.
Identifiers: ClinVar variation 3353459 (VCV003353459.2).